The following is an entry in ClinVar:

ClinVar aggregate classification (germline): Likely benign. Review status: criteria provided, multiple submitters, no conflicts (2 of 4 stars). 3 submissions from 3 submitters: Likely benign (2). 1 of the submissions does not count toward it. Last evaluated 2025-12-04.

Conditions:
Inborn genetic diseases. Identifiers: MedGen C0950123, MeSH D030342.
Very long chain acyl-CoA dehydrogenase deficiency (ACADVLD). Also called: VLCAD Deficiency; Very Long-Chain Acyl-Coenzyme A Dehydrogenase Deficiency. Identifiers: Orphanet 26793, MedGen C3887523, MONDO:0008723, OMIM 201475.
ACADVL-related disorder. Also called: ACADVL-related condition.

Allele frequency attached by ClinVar (database versions not stated): TOPMed 0.00001; gnomAD 0.00010.
gnomAD v4.1: 32 of 1,614,044 alleles (0.002%); highest among the groups gnomAD compares: Admixed American, 0.04%; no homozygotes.

Submissions (3):

Labcorp Genetics (formerly Invitae), Labcorp
Classification: Likely benign for Very long chain acyl-CoA dehydrogenase deficiency. Last evaluated: 2025-12-04. Review status: criteria provided, single submitter. Criteria: Invitae Variant Classification Sherloc (09022015). Collection method: clinical testing. Allele origin: germline.

Ambry Genetics
Classification: Likely benign for Inborn genetic diseases. Last evaluated: 2024-01-22. Review status: criteria provided, single submitter. Criteria: Ambry Variant Classification Scheme 2023. Collection method: clinical testing. Allele origin: germline.

PreventionGenetics, part of Exact Sciences
Classification: Likely benign for ACADVL-related condition. Last evaluated: 2021-09-01. Review status: no assertion criteria provided. Collection method: clinical testing. Allele origin: germline. Not counted in ClinVar's aggregate classification.
Comment: This variant is classified as likely benign based on ACMG/AMP sequence variant interpretation guidelines (Richards et al. 2015 PMID: 25741868, with internal and published modifications).

NM_000018.4(ACADVL):c.495G>A (p.Glu165=)

Gene: ACADVL (acyl-CoA dehydrogenase very long chain; plus strand). Cytogenetic location: 17p13.1.
Variant type: single nucleotide variant.
Coding change: c.495G>A on transcript NM_000018.4 (MANE Select); coding-DNA position 495, G replaced by A.
Protein change: p.Glu165=; no amino-acid change (glutamic acid 165 retained).
Molecular consequence: synonymous variant.
Genome position (GRCh38, 1-based): chr17:7,221,555, G>A. VCF-style: chr17-7221555-G-A. GRCh37 (hg19) VCF-style: chr17-7124874-G-A.
Other names: c.429G>A, p.Glu143= (NM_001033859.3); c.564G>A, p.Glu188= (NM_001270447.2); c.267G>A, p.Glu89= (NM_001270448.2); c.495G>A (NM_000018.2).
Identifiers: ClinVar variation 706860 (VCV000706860.13), dbSNP rs370169077, ClinGen allele CA8337745.
Genomic context (GRCh38, chr17:7,221,555, plus strand): 5'-CCCTGCAGCCAGTGACAACCCCAGATTCCTGCTTCCCCTCCAGTACGCCCGTTTGGTGGA[G>A]ATCGTGGGCATGCATGACCTTGGCGTGGGCATTACCCTGGGGGCCCATCAGAGCATCGGT-3'
Protein context (NP_000009.1, residues 155-175): LCNTQYARLV[Glu165=]IVGMHDLGVG